The following is an entry in ClinVar:

NM_002354.3(EPCAM):c.858G>A (p.Leu286=)

Gene: EPCAM (epithelial cell adhesion molecule; plus strand). Cytogenetic location: 2p21.
Variant type: single nucleotide variant.
Coding change: c.858G>A on transcript NM_002354.3 (MANE Select); coding-DNA position 858, G replaced by A.
Protein change: p.Leu286=; no amino-acid change (leucine 286 retained).
Molecular consequence: synonymous variant.
Genome position (GRCh38, 1-based): chr2:47,379,969, G>A. VCF-style: chr2-47379969-G-A. GRCh37 (hg19) VCF-style: chr2-47607108-G-A.
Other names: p.L286L:CTG>CTA.
Identifiers: ClinVar variation 137213 (VCV000137213.23), dbSNP rs138718438, ClinGen allele CA290744.

ClinVar aggregate classification (germline): Benign/Likely benign. Review status: criteria provided, multiple submitters, no conflicts (2 of 4 stars). 9 submissions from 9 submitters: Benign (5); Likely benign (4). Last evaluated 2026-03-01.

Conditions:
Hereditary cancer-predisposing syndrome. Also called: Tumor predisposition; Hereditary neoplastic syndrome; Hereditary Cancer Syndrome; Neoplastic Syndromes, Hereditary. Identifiers: Orphanet 140162, MedGen C0027672, MeSH D009386, MONDO:0015356.
Lynch syndrome 8 (LYNCH8). Also called: Colorectal cancer, hereditary nonpolyposis, type 8. Identifiers: Orphanet 144, MedGen C2750471, MONDO:0013196, OMIM 613244.

Allele frequency attached by ClinVar (database versions not stated): gnomAD exomes 0.00023 and 0.00056; ExAC 0.00091; gnomAD 0.00206 and 0.00222; TOPMed 0.00240; 1000 Genomes Project 0.00280; 1000 Genomes Project 30x 0.00297; ESP Exome Variant Server 0.00315.
gnomAD v4.1: 655 of 1,609,524 alleles (0.041%); highest among the groups gnomAD compares: African/African-American, 0.82%; 4 homozygotes.

Submissions (12):

CeGaT Center for Human Genetics Tuebingen
Classification: Likely benign. Last evaluated: 2026-03-01. Review status: criteria provided, single submitter. Criteria: CeGaT Center For Human Genetics Tuebingen Variant Classification Criteria Version 2. Collection method: clinical testing. Allele origin: germline. Affected: yes. Observed: 1 variant allele.
Comment: EPCAM: BP4, BS1

Blueprint Genetics
Classification: Likely benign. Last evaluated: 2024-09-18. Review status: criteria provided, single submitter. Criteria: ACMG Guidelines, 2015. Collection method: clinical testing. Allele origin: germline.

Labcorp Genetics (formerly Invitae), Labcorp
Classification: Benign. Last evaluated: 2023-08-10. Review status: criteria provided, single submitter. Criteria: Invitae Variant Classification Sherloc (09022015). Collection method: clinical testing. Allele origin: germline.

KCCC/NGS Laboratory, Kuwait Cancer Control Center
Classification: Benign for Lynch syndrome 8. Last evaluated: 2023-07-07. Review status: criteria provided, single submitter. Criteria: ACMG Guidelines, 2015. Collection method: clinical testing. Allele origin: germline. Affected: yes.

Genetic Services Laboratory, University of Chicago
Classification: Likely benign. Last evaluated: 2021-12-23. Review status: criteria provided, single submitter. Criteria: ACMG Guidelines, 2015. Collection method: clinical testing. Allele origin: germline. Affected: no.

Sema4
Classification: Benign for Hereditary cancer-predisposing syndrome. Last evaluated: 2021-01-26. Review status: criteria provided, single submitter. Criteria: Sema4 Curation Guidelines. Collection method: curation. Allele origin: germline.

PreventionGenetics, part of Exact Sciences
Classification: Benign. Last evaluated: 2017-03-27. Review status: criteria provided, single submitter. Criteria: ACMG Guidelines, 2015. Collection method: clinical testing. Allele origin: germline.

GeneDx
Classification: Benign. Last evaluated: 2013-11-26. Review status: criteria provided, single submitter. Criteria: GeneDx Variant Classification (06012015). Collection method: clinical testing. Allele origin: germline. Affected: yes.
Comment: This variant is considered likely benign or benign based on one or more of the following criteria: it is a conservative change, it occurs at a poorly conserved position in the protein, it is predicted to be benign by multiple in silico algorithms, and/or has population frequency not consistent with disease.

Ambry Genetics
Classification: Likely benign for Hereditary cancer-predisposing syndrome. Last evaluated: 2012-06-22. Review status: criteria provided, single submitter. Criteria: Ambry Autosomal Dominant and X-Linked criteria (10/2015). Collection method: clinical testing. Allele origin: germline. Observed: 1 variant allele.

Dr. Peter K. Rogan Lab, Western University
No classification provided (evidence only). Condition: Familial cancer of breast. Review status: no classification provided. Collection method: in vitro. Allele origin: not applicable. Functional consequence: retained intron. Not counted in ClinVar's aggregate classification.

Dr. Peter K. Rogan Lab, Western University
No classification provided (evidence only). Condition: Acute myeloid leukemia. Review status: no classification provided. Collection method: in vitro. Allele origin: not applicable. Functional consequence: retained intron. Not counted in ClinVar's aggregate classification.

Dr. Peter K. Rogan Lab, Western University
No classification provided (evidence only). Condition: Nonpapillary renal cell carcinoma. Review status: no classification provided. Collection method: in vitro. Allele origin: not applicable. Functional consequence: retained intron. Not counted in ClinVar's aggregate classification.